The following is an entry in ClinVar:

NM_000548.5(TSC2):c.2390T>C (p.Ile797Thr)

Gene: TSC2 (TSC complex subunit 2; plus strand). Cytogenetic location: 16p13.3.
Variant type: single nucleotide variant.
Coding change: c.2390T>C on transcript NM_000548.5 (MANE Select); coding-DNA position 2390, T replaced by C.
Protein change: p.Ile797Thr; replaces isoleucine 797 with threonine.
Molecular consequence: missense variant.
Genome position (GRCh38, 1-based): chr16:2,074,234, T>C. VCF-style: chr16-2074234-T-C. GRCh37 (hg19) VCF-style: chr16-2124235-T-C.
Other names: c.2390T>C, p.Ile797Thr (NM_001077183.3, NM_001114382.3, NM_001363528.2 and 3 more transcripts); c.2279T>C, p.Ile760Thr (NM_001318827.2); c.2243T>C, p.Ile748Thr (NM_001318829.2); c.1790T>C, p.Ile597Thr (NM_001318831.2); c.2423T>C, p.Ile808Thr (NM_001318832.2); short protein forms I597T, I748T, I808T, I760T, I797T.
Identifiers: ClinVar variation 856887 (VCV000856887.10), dbSNP rs2088916279, ClinGen allele CA394277063.
Genomic context (GRCh38, chr16:2,074,234, plus strand): 5'-GGCCTGAGGTGTCCTGTCTCCTGCAGCGCGAGATGGTCTACTGCCTGGAGCAGGGCCTCA[T>C]CCACCGCTGTGCCAGCCAGTGCGTCGTGGCCTTGTCCATCTGCAGCGTGGAGATGCCTGA-3'
Protein context (NP_000539.2, residues 787-807): EMVYCLEQGL[Ile797Thr]HRCASQCVVA

ClinVar aggregate classification (germline): Uncertain significance. Review status: criteria provided, multiple submitters, no conflicts (2 of 4 stars). 2 submissions from 2 submitters: Uncertain significance (2). Last evaluated 2024-04-16.

Conditions:
Tuberous sclerosis syndrome (TSC). Also called: Tuberous Sclerosis Complex; Tuberous sclerosis. Identifiers: Orphanet 805, MedGen C0041341, MONDO:0001734.
Tuberous sclerosis 2 (TSC2). Identifiers: Orphanet 805, MedGen C1860707, MONDO:0013199, OMIM 613254.

Submissions (2):

All of Us Research Program, National Institutes of Health
Classification: Uncertain significance for Tuberous sclerosis syndrome. Last evaluated: 2024-04-16. Review status: criteria provided, single submitter. Criteria: ACMG Guidelines, 2015. Collection method: clinical testing. Allele origin: germline. Inheritance: Autosomal dominant inheritance. Observed: 1 variant allele, 1 heterozygote.
Comment: This missense variant replaces isoleucine with threonine at codon 797 of the TSC2 protein. Computational prediction suggests that this variant may have deleterious impact on protein structure and function (internally defined REVEL score threshold >= 0.7, PMID: 27666373). To our knowledge, functional studies have not been reported for this variant. This variant has not been reported in individuals affected with TSC2-related disorders in the literature. This variant has not been identified in the general population by the Genome Aggregation Database (gnomAD). The available evidence is insufficient to determine the role of this variant in disease conclusively. Therefore, this variant is classified as a Variant of Uncertain Significance.

This study involves interpretation of variants in research participants for the purpose of population health screening. Participant phenotype was not available at the time of variant classification. Additional details can be found in publication PMID: 35346344, PMCID: PMC8962531

Labcorp Genetics (formerly Invitae), Labcorp
Classification: Uncertain significance for Tuberous sclerosis 2. Last evaluated: 2019-12-23. Review status: criteria provided, single submitter. Criteria: Invitae Variant Classification Sherloc (09022015). Collection method: clinical testing. Allele origin: germline.
Comment: This variant is not present in population databases (ExAC no frequency). This sequence change replaces isoleucine with threonine at codon 797 of the TSC2 protein (p.Ile797Thr). The isoleucine residue is highly conserved and there is a moderate physicochemical difference between isoleucine and threonine. This variant has not been reported in the literature in individuals with TSC2-related conditions. Algorithms developed to predict the effect of missense changes on protein structure and function are either unavailable or do not agree on the potential impact of this missense change (SIFT: "Deleterious"; PolyPhen-2: "Benign"; Align-GVGD: "Class C0"). In summary, the available evidence is currently insufficient to determine the role of this variant in disease. Therefore, it has been classified as a Variant of Uncertain Significance.